The following is an entry in ClinVar:

ClinVar aggregate classification (germline): Uncertain significance. Review status: criteria provided, multiple submitters, no conflicts (2 of 4 stars). 2 submissions from 2 submitters: Uncertain significance (2). Last evaluated 2025-04-02.

Conditions:
Pyridoxine-dependent epilepsy (EPEO4). Also called: Pyridoxine-Dependent Epilepsy - ALDH7A1; PYRIDOXINE DEPENDENCY WITH SEIZURES; EPILEPSY, EARLY-ONSET, 4, VITAMIN B6-DEPENDENT; Pyridoxine-Dependent Seizures. Identifiers: Orphanet 3006, MedGen C1849508, MONDO:0009945, OMIM 266100. Disease mechanism: loss of function.

Allele frequency attached by ClinVar (database versions not stated): ExAC 0.00002.
gnomAD v4.1: 2 of 1,613,602 alleles (0.00012%); highest among the groups gnomAD compares: Non-Finnish European, 0.00017%; no homozygotes.

Submissions (2):

Women's Health and Genetics/Laboratory Corporation of America, LabCorp
Classification: Uncertain significance. Last evaluated: 2025-04-02. Review status: criteria provided, single submitter. Criteria: LabCorp Variant Classification Summary - May 2015. Collection method: clinical testing. Allele origin: germline.

Labcorp Genetics (formerly Invitae), Labcorp
Classification: Uncertain significance for Pyridoxine-dependent epilepsy. Last evaluated: 2021-09-24. Review status: criteria provided, single submitter. Criteria: Invitae Variant Classification Sherloc (09022015). Collection method: clinical testing. Allele origin: germline.
Comment: This sequence change replaces isoleucine with valine at codon 459 of the ALDH7A1 protein (p.Ile459Val). The isoleucine residue is highly conserved and there is a small physicochemical difference between isoleucine and valine. This variant is present in population databases (rs186558364, ExAC 0.003%). This variant has not been reported in the literature in individuals with ALDH7A1-related conditions. Advanced modeling of protein sequence and biophysical properties (such as structural, functional, and spatial information, amino acid conservation, physicochemical variation, residue mobility, and thermodynamic stability) performed at Invitae indicates that this missense variant is not expected to disrupt ALDH7A1 protein function. In summary, the available evidence is currently insufficient to determine the role of this variant in disease. Therefore, it has been classified as a Variant of Uncertain Significance.

NM_001182.5(ALDH7A1):c.1375A>G (p.Ile459Val)

Gene: ALDH7A1 (aldehyde dehydrogenase 7 family member A1; minus strand). Cytogenetic location: 5q23.2.
Variant type: single nucleotide variant.
Coding change: c.1375A>G on transcript NM_001182.5 (MANE Select); coding-DNA position 1375, A replaced by G.
Protein change: p.Ile459Val; replaces isoleucine 459 with valine.
Molecular consequence: missense variant.
Genome position (GRCh38, 1-based): chr5:126,550,236, T>C on the plus strand (A>G on the coding strand, the complement: ALDH7A1 is on the minus strand). VCF-style: chr5-126550236-T-C. GRCh37 (hg19) VCF-style: chr5-125885928-T-C.
Other names: c.1291A>G, p.Ile431Val (NM_001201377.2); c.1183A>G, p.Ile395Val (NM_001202404.2); short protein forms I459V, I431V, I395V.
Identifiers: ClinVar variation 1361674 (VCV001361674.7), dbSNP rs186558364, ClinGen allele CA3389433.